The following is an entry in ClinVar:

NM_012470.4(TNPO3):c.2765T>C (p.Phe922Ser)

Gene: TNPO3 (transportin 3; minus strand). Cytogenetic location: 7q32.1.
Variant type: single nucleotide variant.
Coding change: c.2765T>C on transcript NM_012470.4 (MANE Select); coding-DNA position 2765, T replaced by C.
Protein change: p.Phe922Ser; replaces phenylalanine 922 with serine.
Molecular consequence: missense variant. On other transcripts: non-coding transcript variant (18), intron variant (2).
Genome position (GRCh38, 1-based): chr7:128,957,262, A>G on the plus strand (T>C on the coding strand, the complement: TNPO3 is on the minus strand). VCF-style: chr7-128957262-A-G. GRCh37 (hg19) VCF-style: chr7-128597316-A-G.
Other names: c.2573T>C, p.Phe858Ser (NM_001191028.3); c.2867T>C, p.Phe956Ser (NM_001382216.1); c.2846T>C, p.Phe949Ser (NM_001382217.1); c.2657T>C, p.Phe886Ser (NM_001382219.1); c.2624T>C, p.Phe875Ser (NM_001382220.1); c.2621T>C, p.Phe874Ser (NM_001382221.1); c.2618T>C, p.Phe873Ser (NM_001382222.1); c.2520-1877T>C (NM_001382223.1); and 1 more; short protein forms F922S, F956S, F886S, F873S, F949S, F858S, F874S, F875S.
Identifiers: ClinVar variation 2110156 (VCV002110156.4), dbSNP rs2535803851, ClinGen allele CA369245673.

ClinVar aggregate classification (germline): Uncertain significance (1 of 4 stars; one submission).

Conditions:
Autosomal dominant limb-girdle muscular dystrophy type 1F (LGMDD2). Also called: Limb-girdle muscular dystrophy, type 1F; MUSCULAR DYSTROPHY, LIMB-GIRDLE, AUTOSOMAL DOMINANT 2. Identifiers: Orphanet 55595, MedGen C1842062, MONDO:0012034, OMIM 608423.

Submission:

Labcorp Genetics (formerly Invitae), Labcorp
Classification: Uncertain significance for Autosomal dominant limb-girdle muscular dystrophy type 1F. Last evaluated: 2022-03-12. Review status: criteria provided, single submitter. Criteria: Invitae Variant Classification Sherloc (09022015). Collection method: clinical testing. Allele origin: germline.
Comment: In summary, the available evidence is currently insufficient to determine the role of this variant in disease. Therefore, it has been classified as a Variant of Uncertain Significance. Algorithms developed to predict the effect of missense changes on protein structure and function are either unavailable or do not agree on the potential impact of this missense change (SIFT: "Deleterious"; PolyPhen-2: "Possibly Damaging"; Align-GVGD: "Class C0"). This variant has not been reported in the literature in individuals affected with TNPO3-related conditions. This variant is not present in population databases (gnomAD no frequency). This sequence change replaces phenylalanine, which is neutral and non-polar, with serine, which is neutral and polar, at codon 922 of the TNPO3 protein (p.Phe922Ser).